The following is an entry in ClinVar:

ClinVar aggregate classification (germline): Uncertain significance. Review status: criteria provided, multiple submitters, no conflicts (2 of 4 stars). 2 submissions from 2 submitters: Uncertain significance (2). Last evaluated 2024-08-19.

Conditions:
Inborn genetic diseases. Identifiers: MedGen C0950123, MeSH D030342.

Allele frequency attached by ClinVar (database versions not stated): gnomAD 0.00001; gnomAD exomes 0.00001; TOPMed 0.00001.
gnomAD v4.1: 11 of 1,613,460 alleles (0.00068%); highest among the groups gnomAD compares: African/African-American, 0.0013%; no homozygotes.

Submissions (2):

Ambry Genetics
Classification: Uncertain significance for Inborn genetic diseases. Last evaluated: 2024-08-19. Review status: criteria provided, single submitter. Criteria: Ambry Variant Classification Scheme 2023. Collection method: clinical testing. Allele origin: germline.
Comment: The p.E2503K variant (also known as c.7507G>A), located in coding exon 45 of the ATR gene, results from a G to A substitution at nucleotide position 7507. The glutamic acid at codon 2503 is replaced by lysine, an amino acid with similar properties. This amino acid position is conserved. In addition, the in silico prediction for this alteration is inconclusive. Since supporting evidence is limited at this time, the clinical significance of this alteration remains unclear.

Labcorp Genetics (formerly Invitae), Labcorp
Classification: Uncertain significance. Last evaluated: 2022-08-24. Review status: criteria provided, single submitter. Criteria: Invitae Variant Classification Sherloc (09022015). Collection method: clinical testing. Allele origin: germline.
Comment: Algorithms developed to predict the effect of missense changes on protein structure and function are either unavailable or do not agree on the potential impact of this missense change (SIFT: "Tolerated"; PolyPhen-2: "Probably Damaging"; Align-GVGD: "Class C0"). In summary, the available evidence is currently insufficient to determine the role of this variant in disease. Therefore, it has been classified as a Variant of Uncertain Significance. This variant has not been reported in the literature in individuals affected with ATR-related conditions. This variant is not present in population databases (gnomAD no frequency). This sequence change replaces glutamic acid, which is acidic and polar, with lysine, which is basic and polar, at codon 2503 of the ATR protein (p.Glu2503Lys).

NM_001184.4(ATR):c.7507G>A (p.Glu2503Lys)

Gene: ATR (ATR checkpoint kinase; minus strand). Cytogenetic location: 3q23.
Variant type: single nucleotide variant.
Coding change: c.7507G>A on transcript NM_001184.4 (MANE Select); coding-DNA position 7507, G replaced by A.
Protein change: p.Glu2503Lys; replaces glutamic acid 2503 with lysine.
Molecular consequence: missense variant.
Genome position (GRCh38, 1-based): chr3:142,457,752, C>T on the plus strand (G>A on the coding strand, the complement: ATR is on the minus strand). VCF-style: chr3-142457752-C-T. GRCh37 (hg19) VCF-style: chr3-142176594-C-T.
Other names: c.7315G>A, p.Glu2439Lys (NM_001354579.2); short protein forms E2439K, E2503K.
Identifiers: ClinVar variation 1759238 (VCV001759238.8), dbSNP rs1041481511, ClinGen allele CA84724960.
Genomic context (GRCh38, chr3:142,457,752, plus strand): 5'-TTCCATTAACCATATTATGAGTCAGGCGAAATGGCACAATTTCTGGAACTTCAAAGGTTT[C>T]TCCCTTAGAAACAATACATTTTATTACAAACTAACAATGTTAGAATTTAAAAATCTTTAC-3'
Protein context (NP_001175.2, residues 2493-2513): VDFNCLFNKG[Glu2503Lys]TFEVPEIVPF